The following is an entry in ClinVar:

ClinVar aggregate classification (germline): Uncertain significance (1 of 4 stars; one submission).

Submission:

Ambry Genetics
Classification: Uncertain significance. Last evaluated: 2026-04-25. Review status: criteria provided, single submitter. Criteria: Ambry Variant Classification Scheme 2023. Collection method: clinical testing. Allele origin: germline.
Comment: The p.P1266T variant (also known as c.3796C>A), located in coding exon 14 of the CDK12 gene, results from a C to A substitution at nucleotide position 3796. The proline at codon 1266 is replaced by threonine, an amino acid with highly similar properties. This amino acid position is conserved. In addition, the in silico prediction for this alteration is inconclusive. Based on the available evidence, the clinical significance of this variant remains unclear.

NM_016507.4(CDK12):c.3796C>A (p.Pro1266Thr)

Gene: CDK12 (cyclin dependent kinase 12; plus strand). Cytogenetic location: 17q12.
Variant type: single nucleotide variant.
Coding change: c.3796C>A on transcript NM_016507.4 (MANE Select); coding-DNA position 3796, C replaced by A.
Protein change: p.Pro1266Thr; replaces proline 1266 with threonine.
Molecular consequence: missense variant.
Genome position (GRCh38, 1-based): chr17:39,530,639, C>A. VCF-style: chr17-39530639-C-A. GRCh37 (hg19) VCF-style: chr17-37686892-C-A.
Other names: c.3769C>A, p.Pro1257Thr (NM_015083.4); short protein forms P1257T, P1266T.
Identifiers: ClinVar variation 4868506 (VCV004868506.1).
Genomic context (GRCh38, chr17:39,530,639, plus strand): 5'-TTTAAAAGAAGTAACCCTTCCACAGCATGTCCTCCTCACATTCTTCCACCAGAGAAGAGG[C>A]CCCCTGAGCCCCCCGGACCTCCACCGCCGCCACCTCCACCCCCTCTGGTTGAAGGCGATC-3'
Protein context (NP_057591.2, residues 1256-1276): PPHILPPEKR[Pro1266Thr]PEPPGPPPPP